The following is an entry in ClinVar:

NM_203468.3(ENTPD2):c.33G>A (p.Pro11=)

Gene: ENTPD2 (ectonucleoside triphosphate diphosphohydrolase 2; minus strand). Cytogenetic location: 9q34.3.
Variant type: single nucleotide variant.
Coding change: c.33G>A on transcript NM_203468.3 (MANE Select); coding-DNA position 33, G replaced by A.
Protein change: p.Pro11=; no amino-acid change (proline 11 retained).
Molecular consequence: synonymous variant.
Genome position (GRCh38, 1-based): chr9:137,053,965, C>T on the plus strand (G>A on the coding strand, the complement: ENTPD2 is on the minus strand). VCF-style: chr9-137053965-C-T. GRCh37 (hg19) VCF-style: chr9-139948417-C-T.
Other names: c.33G>A, p.Pro11= (NM_001246.4).
Identifiers: ClinVar variation 2659797 (VCV002659797.24), dbSNP rs757407720, ClinGen allele CA5357647.
Genomic context (GRCh38, chr9:137,053,965, plus strand): 5'-GTCGCGGGTGGGGACGCACAGCAGTAGGAGGCCGGCGAGGCCCGCGGCGGCCAGCAGCAG[C>T]GGCGGCAGCAGTGACCGCACCTTCCCGGCCATGGGCGGGCGGGCGCGCGGGAGGACGATG-3'
Protein context (NP_982293.1, residues 1-21): MAGKVRSLLP[Pro11=]LLLAAAGLAG

ClinVar aggregate classification (germline): Likely benign (1 of 4 stars; one submission).

Allele frequency attached by ClinVar (database versions not stated): TOPMed 0.00066; gnomAD 0.00095.
gnomAD v4.1: 777 of 1,222,398 alleles (0.064%); highest among the groups gnomAD compares: Admixed American, 0.1%; 1 homozygote.

Submission:

CeGaT Center for Human Genetics Tuebingen
Classification: Likely benign. Last evaluated: 2023-01-01. Review status: criteria provided, single submitter. Criteria: CeGaT Center For Human Genetics Tuebingen Variant Classification Criteria Version 2. Collection method: clinical testing. Allele origin: germline. Affected: yes. Observed: 1 variant allele.
Comment: ENTPD2: BP4, BP7